The following is an entry in ClinVar:

NM_005560.6(LAMA5):c.6839C>T (p.Ala2280Val)

Gene: LAMA5 (laminin subunit alpha 5; minus strand). Cytogenetic location: 20q13.33.
Variant type: single nucleotide variant.
Coding change: c.6839C>T on transcript NM_005560.6 (MANE Select); coding-DNA position 6839, C replaced by T.
Protein change: p.Ala2280Val; replaces alanine 2280 with valine.
Molecular consequence: missense variant.
Genome position (GRCh38, 1-based): chr20:62,319,716, G>A on the plus strand (C>T on the coding strand, the complement: LAMA5 is on the minus strand). VCF-style: chr20-62319716-G-A. GRCh37 (hg19) VCF-style: chr20-60894772-G-A.
Other names: c.6839C>T (NM_005560.3); short protein forms A2280V.
Identifiers: ClinVar variation 2899452 (VCV002899452.3), dbSNP rs1008018137, ClinGen allele CA317246308.

ClinVar aggregate classification (germline): Uncertain significance. Review status: criteria provided, multiple submitters, no conflicts (2 of 4 stars). 2 submissions from 2 submitters: Uncertain significance (2). Last evaluated 2024-10-26.

Conditions:
Inborn genetic diseases. Identifiers: MedGen C0950123, MeSH D030342.

Allele frequency attached by ClinVar (database versions not stated): gnomAD 0.00001; TOPMed 0.00002; gnomAD exomes 0.00003.
gnomAD v4.1: 39 of 1,546,550 alleles (0.0025%); highest among the groups gnomAD compares: Admixed American, 0.0039%; no homozygotes.

Submissions (2):

Labcorp Genetics (formerly Invitae), Labcorp
Classification: Uncertain significance. Last evaluated: 2024-10-26. Review status: criteria provided, single submitter. Criteria: Invitae Variant Classification Sherloc (09022015). Collection method: clinical testing. Allele origin: germline.
Comment: This sequence change replaces alanine, which is neutral and non-polar, with valine, which is neutral and non-polar, at codon 2280 of the LAMA5 protein (p.Ala2280Val). The frequency data for this variant in the population databases is considered unreliable, as metrics indicate poor data quality at this position in the gnomAD database. This variant has not been reported in the literature in individuals affected with LAMA5-related conditions. An algorithm developed to predict the effect of missense changes on protein structure and function outputs the following: PolyPhen-2: "Possibly Damaging". The valine amino acid residue is found in multiple mammalian species, which suggests that this missense change does not adversely affect protein function. In summary, the available evidence is currently insufficient to determine the role of this variant in disease. Therefore, it has been classified as a Variant of Uncertain Significance.

Ambry Genetics
Classification: Uncertain significance for Inborn genetic diseases. Last evaluated: 2024-05-24. Review status: criteria provided, single submitter. Criteria: Ambry Variant Classification Scheme 2023. Collection method: clinical testing. Allele origin: germline.